The following is an entry in ClinVar:

ClinVar aggregate classification (germline): Likely benign. Review status: criteria provided, multiple submitters, no conflicts (2 of 4 stars). 4 submissions from 4 submitters: Likely benign (3). 1 of the submissions does not count toward it. Last evaluated 2026-09-01.

Conditions:
FMN2-related disorder. Also called: FMN2-related condition.

Allele frequency attached by ClinVar (database versions not stated): ExAC 0.00019; gnomAD exomes 0.00019; gnomAD 0.00151.

Submissions (4):

CeGaT Center for Human Genetics Tuebingen
Classification: Likely benign. Last evaluated: 2026-09-01. Review status: criteria provided, single submitter. Criteria: CeGaT Center For Human Genetics Tuebingen Variant Classification Criteria Version 2. Collection method: clinical testing. Allele origin: germline. Affected: yes. Observed: 15 variant alleles.
Comment: FMN2: BP4, BP7

Blueprint Genetics
Classification: Likely benign. Last evaluated: 2024-11-20. Review status: criteria provided, single submitter. Criteria: ACMG Guidelines, 2015. Collection method: clinical testing. Allele origin: germline.

Breakthrough Genomics
Classification: Likely benign. Review status: criteria provided, single submitter. Criteria: ACMG Guidelines, 2015. Collection method: not provided. Allele origin: germline. Inheritance: Autosomal recessive inheritance. Affected: yes.

PreventionGenetics, part of Exact Sciences
Classification: Likely benign for FMN2-related condition. Last evaluated: 2022-10-31. Review status: no assertion criteria provided. Collection method: clinical testing. Allele origin: germline. Not counted in ClinVar's aggregate classification.
Comment: This variant is classified as likely benign based on ACMG/AMP sequence variant interpretation guidelines (Richards et al. 2015 PMID: 25741868, with internal and published modifications).

NM_020066.5(FMN2):c.3324T>C (p.Pro1108=)

Gene: FMN2 (formin 2; plus strand). Cytogenetic location: 1q43.
Variant type: single nucleotide variant.
Coding change: c.3324T>C on transcript NM_020066.5 (MANE Select); coding-DNA position 3324, T replaced by C.
Protein change: p.Pro1108=; no amino-acid change (proline 1108 retained).
Molecular consequence: synonymous variant. On other transcripts: intron variant (1).
Genome position (GRCh38, 1-based): chr1:240,208,136, T>C. VCF-style: chr1-240208136-T-C. GRCh37 (hg19) VCF-style: chr1-240371436-T-C.
Other names: c.3336T>C, p.Pro1112= (NM_001305424.2); c.1986+19874T>C (NM_001348094.2); c.3324T>C (NM_020066.4).
Identifiers: ClinVar variation 1298466 (VCV001298466.38), dbSNP rs773602444, ClinGen allele CA1477092.